The following is an entry in ClinVar:

NM_001365088.1(SLC12A6):c.2474G>T (p.Gly825Val)

Genes: SLC12A6 (solute carrier family 12 member 6; minus strand), LOC126862097 (P300/CBP strongly-dependent group 1 enhancer GRCh37_chr15:34531007-34532206; plus strand). Cytogenetic location: 15q14.
Variant type: single nucleotide variant.
Coding change: c.2474G>T on transcript NM_001365088.1 (MANE Select); coding-DNA position 2474, G replaced by T.
Protein change: p.Gly825Val; replaces glycine 825 with valine.
Molecular consequence: missense variant.
Genome position (GRCh38, 1-based): chr15:34,239,123, C>A on the plus strand (G>T on the coding strand, the complement: SLC12A6 is on the minus strand). VCF-style: chr15-34239123-C-A. GRCh37 (hg19) VCF-style: chr15-34531324-C-A.
Other names: c.2297G>T, p.Gly766Val (NM_001042494.2, NM_001042495.2); c.2447G>T, p.Gly816Val (NM_001042496.2); c.2429G>T, p.Gly810Val (NM_001042497.2); c.2321G>T, p.Gly774Val (NM_005135.2); c.2474G>T, p.Gly825Val (NM_133647.2); short protein forms G766V, G774V, G810V, G816V, G825V.
Identifiers: ClinVar variation 4975934 (VCV004975934.1).

ClinVar aggregate classification (germline): Uncertain significance (1 of 4 stars; one submission).

Submission:

GeneDx
Classification: Uncertain significance. Last evaluated: 2026-01-30. Review status: criteria provided, single submitter. Criteria: GeneDx Variant Classification Process June 2021. Collection method: clinical testing. Allele origin: germline.
Comment: Not observed at significant frequency in large population cohorts (gnomAD); In silico analysis supports that this missense variant has a deleterious effect on protein structure/function; Has not been previously published as pathogenic or benign to our knowledge